The following is an entry in ClinVar:

NM_015295.3(SMCHD1):c.5155A>G (p.Ser1719Gly)

Gene: SMCHD1 (structural maintenance of chromosomes flexible hinge domain containing 1; plus strand). Cytogenetic location: 18p11.32.
Variant type: single nucleotide variant.
Coding change: c.5155A>G on transcript NM_015295.3 (MANE Select); coding-DNA position 5155, A replaced by G.
Protein change: p.Ser1719Gly; replaces serine 1719 with glycine.
Molecular consequence: missense variant.
Genome position (GRCh38, 1-based): chr18:2,772,352, A>G. VCF-style: chr18-2772352-A-G. GRCh37 (hg19) VCF-style: chr18-2772350-A-G.
Other names: c.5155A>G (NM_015295.2); short protein forms S1719G.
Identifiers: ClinVar variation 283663 (VCV000283663.15), dbSNP rs201221497, ClinGen allele CA8871671.

ClinVar aggregate classification (germline): Uncertain significance. Review status: criteria provided, multiple submitters, no conflicts (2 of 4 stars). 6 submissions from 6 submitters: Uncertain significance (4). 2 of the submissions do not count toward it. Last evaluated 2025-09-16.

Conditions:
SMCHD1-related disorder. Also called: SMCHD1-related condition.
Facioscapulohumeral muscular dystrophy 2 (FSHD2). Also called: MUSCULAR DYSTROPHY, FACIOSCAPULOHUMERAL, TYPE 1B; FACIOSCAPULOHUMERAL MUSCULAR DYSTROPHY 2, DIGENIC; FSHD2, DIGENIC. Identifiers: Orphanet 269, MedGen C1834671, MONDO:0008031, OMIM 158901.

Allele frequency attached by ClinVar (database versions not stated): gnomAD exomes 0.00003 and 0.00007; ExAC 0.00009; TOPMed 0.00016; ESP Exome Variant Server 0.00017; gnomAD 0.00019; 1000 Genomes Project 30x 0.00031; 1000 Genomes Project 0.00040.
gnomAD v4.1: 73 of 1,575,274 alleles (0.0046%); highest among the groups gnomAD compares: African/African-American, 0.077%; no homozygotes.

Submissions (6):

Labcorp Genetics (formerly Invitae), Labcorp
Classification: Uncertain significance for Facioscapulohumeral muscular dystrophy 2. Last evaluated: 2025-09-16. Review status: criteria provided, single submitter. Criteria: Invitae Variant Classification Sherloc (09022015). Collection method: clinical testing. Allele origin: germline.
Comment: This sequence change replaces serine, which is neutral and polar, with glycine, which is neutral and non-polar, at codon 1719 of the SMCHD1 protein (p.Ser1719Gly). This variant is present in population databases (rs201221497, gnomAD 0.05%). This variant has not been reported in the literature in individuals affected with SMCHD1-related conditions. ClinVar contains an entry for this variant (Variation ID: 283663). Invitae Evidence Modeling of protein sequence and biophysical properties (such as structural, functional, and spatial information, amino acid conservation, physicochemical variation, residue mobility, and thermodynamic stability) indicates that this missense variant is not expected to disrupt SMCHD1 protein function with a negative predictive value of 80%. In summary, the available evidence is currently insufficient to determine the role of this variant in disease. Therefore, it has been classified as a Variant of Uncertain Significance.

Revvity Omics, Revvity
Classification: Uncertain significance. Last evaluated: 2020-05-27. Review status: criteria provided, single submitter. Criteria: ACMG Guidelines, 2015. Collection method: clinical testing. Allele origin: germline.

Eurofins Ntd Llc (ga)
Classification: Uncertain significance. Last evaluated: 2018-08-31. Review status: criteria provided, single submitter. Criteria: EGL ClinVar v180209 classification definitions. Collection method: clinical testing. Allele origin: germline. Observed: 5 variant alleles, 5 heterozygotes.

Breakthrough Genomics
Classification: Uncertain significance. Review status: criteria provided, single submitter. Criteria: ACMG Guidelines, 2015. Collection method: not provided. Allele origin: germline. Inheritance: Autosomal dominant inheritance. Affected: yes.

PreventionGenetics, part of Exact Sciences
Classification: Uncertain significance for SMCHD1-related condition. Last evaluated: 2024-06-12. Review status: no assertion criteria provided. Collection method: clinical testing. Allele origin: germline. Not counted in ClinVar's aggregate classification.
Comment: The SMCHD1 c.5155A>G variant is predicted to result in the amino acid substitution p.Ser1719Gly. To our knowledge, this variant has not been reported in the literature. This variant is reported in 0.054% of alleles in individuals of African descent in gnomAD. At this time, the clinical significance of this variant is uncertain due to the absence of conclusive functional and genetic evidence.

Department of Pathology and Laboratory Medicine, Sinai Health System
Classification: Uncertain significance. Review status: no assertion criteria provided. Collection method: clinical testing. Allele origin: unknown. Affected: yes. Study: The Canadian Open Genetics Repository (COGR). Not counted in ClinVar's aggregate classification.
Comment: The SMCHD1 p.Ser1719Gly variant was not identified in the literature but was identified in dbSNP (ID: rs201221497), LOVD 3.0 and ClinVar (classified as uncertain significance by EGL Genetic Diagnostics). The variant was identified in control databases in 18 of 244030 chromosomes at a frequency of 0.00007376 (Genome Aggregation Database March 6, 2019, v2.1.1). The variant was observed in the following populations: African in 12 of 22128 chromosomes (freq: 0.000542), Other in 1 of 5948 chromosomes (freq: 0.000168), East Asian in 1 of 16132 chromosomes (freq: 0.000062) and European (non-Finnish) in 4 of 116864 chromosomes (freq: 0.000034), but was not observed in the Latino, Ashkenazi Jewish, European (Finnish), and South Asian populations. The p.Ser1719 residue is not conserved in mammals and computational analyses (PolyPhen-2, SIFT, AlignGVGD, BLOSUM, MutationTaster) provide inconsistent predictions regarding the impact to the protein; this information is not very predictive of pathogenicity. The variant occurs outside of the splicing consensus sequence and in silico or computational prediction software programs (SpliceSiteFinder, MaxEntScan, NNSPLICE, GeneSplicer) do not predict a difference in splicing. In summary, based on the above information the clinical significance of this variant cannot be determined with certainty at this time. This variant is classified as a variant of uncertain significance.